The following is an entry in ClinVar:

NM_005228.5(EGFR):c.3626G>A (p.Gly1209Glu)

Gene: EGFR (epidermal growth factor receptor; plus strand). Cytogenetic location: 7p11.2.
Variant type: single nucleotide variant.
Coding change: c.3626G>A on transcript NM_005228.5 (MANE Select); coding-DNA position 3626, G replaced by A.
Protein change: p.Gly1209Glu; replaces glycine 1209 with glutamic acid.
Molecular consequence: missense variant.
Genome position (GRCh38, 1-based): chr7:55,205,610, G>A. VCF-style: chr7-55205610-G-A. GRCh37 (hg19) VCF-style: chr7-55273303-G-A.
Other names: c.3491G>A, p.Gly1164Glu (NM_001346899.2); c.3467G>A, p.Gly1156Glu (NM_001346900.2); c.2825G>A, p.Gly942Glu (NM_001346941.2); short protein forms G1156E, G1164E, G1209E, G942E.
Identifiers: ClinVar variation 1720250 (VCV001720250.5), dbSNP rs1788079057, ClinGen allele CA367585041.

ClinVar aggregate classification (germline): Uncertain significance (1 of 4 stars; one submission).

Conditions:
EGFR-related lung cancer (EGFR). Identifiers: MedGen CN130014.

Submission:

Labcorp Genetics (formerly Invitae), Labcorp
Classification: Uncertain significance for EGFR-related lung cancer. Last evaluated: 2022-09-23. Review status: criteria provided, single submitter. Criteria: Invitae Variant Classification Sherloc (09022015). Collection method: clinical testing. Allele origin: germline.
Comment: This variant is not present in population databases (gnomAD no frequency). This variant has not been reported in the literature in individuals affected with EGFR-related conditions. Algorithms developed to predict the effect of missense changes on protein structure and function (SIFT, PolyPhen-2, Align-GVGD) all suggest that this variant is likely to be tolerated. In summary, the available evidence is currently insufficient to determine the role of this variant in disease. Therefore, it has been classified as a Variant of Uncertain Significance. This sequence change replaces glycine, which is neutral and non-polar, with glutamic acid, which is acidic and polar, at codon 1209 of the EGFR protein (p.Gly1209Glu).